The following is an entry in ClinVar:

ClinVar aggregate classification (germline): Likely benign (1 of 4 stars; one submission).

Conditions:
Tumor predisposition syndrome 2 (TPDS2). Also called: MBD4-ASSOCIATED NEOPLASIA SYNDROME; MBD4-Related Tumor Predisposition Syndrome; MBD4-associated neoplasia syndrome (MANS). Identifiers: Orphanet 661526, MedGen C5774186, MONDO:0859267, OMIM 619975.

Submission:

Myriad Genetics, Inc.
Classification: Likely benign for Tumor predisposition syndrome 2. Last evaluated: 2026-06-09. Review status: criteria provided, single submitter. Criteria: Myriad Autosomal Dominant, Autosomal Recessive and X-Linked Classification Criteria (2023). Collection method: clinical testing. Allele origin: unknown.
Comment: This variant is considered likely benign. This variant is intronic and is not expected to impact mRNA splicing.

NM_001276270.2(MBD4):c.1647+10A>G

Gene: MBD4 (methyl-CpG binding domain 4, DNA glycosylase; minus strand). Cytogenetic location: 3q21.3.
Variant type: single nucleotide variant.
Coding change: c.1647+10A>G on transcript NM_001276270.2 (MANE Select); 10 bases into the intron after coding-DNA position 1647, A replaced by G.
Molecular consequence: intron variant. On other transcripts: missense variant (1).
Genome position (GRCh38, 1-based): chr3:129,432,493, T>C on the plus strand (A>G on the coding strand, the complement: MBD4 is on the minus strand). VCF-style: chr3-129432493-T-C. GRCh37 (hg19) VCF-style: chr3-129151336-T-C.
Other names: c.1675A>G, p.Thr559Ala (NM_001276271.2); c.711+10A>G (NM_001276273.2); c.1612+63A>G (NM_001276272.2); c.1665+10A>G (NM_003925.3); short protein forms T559A.
Identifiers: ClinVar variation 4875862 (VCV004875862.1).